The following is an entry in ClinVar:

ClinVar aggregate classification (germline): Benign/Likely benign. Review status: criteria provided, multiple submitters, no conflicts (2 of 4 stars). 3 submissions from 3 submitters: Benign (1); Likely benign (2). Last evaluated 2025-10-22.

Submissions (3):

Women's Health and Genetics/Laboratory Corporation of America, LabCorp
Classification: Benign. Last evaluated: 2025-10-22. Review status: criteria provided, single submitter. Criteria: LabCorp Variant Classification Summary - May 2015. Collection method: clinical testing. Allele origin: germline.
Comment: Variant summary: C1R c.769-18delA alters a nucleotide located at a position not widely known to affect splicing. Consensus agreement among computation tools predict no significant impact on normal splicing. However, these predictions have yet to be confirmed by functional studies. The variant allele was found at a frequency of 0.0069 in 533058 control chromosomes in the gnomAD database, including 1 homozygotes. The observed variant frequency exceeds the estimated maximal expected allele frequency for disease-causing variants in C1R. To our knowledge, no occurrence of c.769-18delA in individuals affected with C1R-related conditions and no experimental evidence demonstrating its impact on protein function have been reported. ClinVar contains an entry for this variant (Variation ID: 2576418). Based on the evidence outlined above, the variant was classified as benign.

Center for Genomic Medicine, Rigshospitalet, Copenhagen University Hospital
Classification: Likely benign. Last evaluated: 2025-03-04. Review status: criteria provided, single submitter. Criteria: ACMG Guidelines, 2015. Collection method: clinical testing. Allele origin: germline.

Blueprint Genetics
Classification: Likely benign. Last evaluated: 2024-11-19. Review status: criteria provided, single submitter. Criteria: ACMG Guidelines, 2015. Collection method: clinical testing. Allele origin: germline.

NM_001733.7(C1R):c.769-18del

Gene: C1R (complement C1r; minus strand). Cytogenetic location: 12p13.31.
Variant type: Deletion.
Coding change: c.769-18del on transcript NM_001733.7 (MANE Select); 18 bases into the intron before coding-DNA position 769, one base deleted (A; older notation c.769-18delA).
Molecular consequence: intron variant.
Genome position (GRCh38, 1-based): chr12:7,089,004, T deleted on the plus strand (A on the coding strand, the reverse complement: C1R is on the minus strand); the first of 11 consecutive T bases (chr12:7,089,004-7,089,014); deleting any one gives the same sequence. VCF-style (leftmost placement, unchanged base first): chr12-7089003-GT-G. GRCh37 (hg19) VCF-style: chr12-7241599-GT-G.
Other names: c.811-18del (NM_001354346.2); c.769-18delA (NM_001733.7).
Identifiers: ClinVar variation 2576418 (VCV002576418.4), dbSNP rs377237263, ClinGen allele CA6424127.